The following is an entry in ClinVar:

ClinVar aggregate classification (germline): Conflicting classifications of pathogenicity. Review status: criteria provided, conflicting classifications (1 of 4 stars). 5 submissions from 5 submitters: Uncertain significance (4); Likely benign (1). Last evaluated 2025-04-03.

Conditions:
Inborn genetic diseases. Identifiers: MedGen C0950123, MeSH D030342.
Myoclonic dystonia 26. Identifiers: MedGen C4225341, MONDO:0014620, OMIM 616398.

Allele frequency attached by ClinVar (database versions not stated): 1000 Genomes Project 30x 0.00016; ExAC 0.00019; TOPMed 0.00019; 1000 Genomes Project 0.00020; gnomAD 0.00025 and 0.00028; ESP Exome Variant Server 0.00008.

Submissions (5):

Ambry Genetics
Classification: Uncertain significance for Inborn genetic diseases. Last evaluated: 2025-04-03. Review status: criteria provided, single submitter. Criteria: Ambry Variant Classification Scheme 2023. Collection method: clinical testing. Allele origin: germline.

CeGaT Center for Human Genetics Tuebingen
Classification: Likely benign. Last evaluated: 2024-11-01. Review status: criteria provided, single submitter. Criteria: CeGaT Center For Human Genetics Tuebingen Variant Classification Criteria Version 2. Collection method: clinical testing. Allele origin: germline. Affected: yes. Observed: 1 variant allele.
Comment: KCTD17: BP4

Labcorp Genetics (formerly Invitae), Labcorp
Classification: Uncertain significance for Myoclonic dystonia 26. Last evaluated: 2024-08-27. Review status: criteria provided, single submitter. Criteria: Invitae Variant Classification Sherloc (09022015). Collection method: clinical testing. Allele origin: germline.
Comment: This sequence change replaces arginine, which is basic and polar, with cysteine, which is neutral and slightly polar, at codon 292 of the KCTD17 protein (p.Arg292Cys). This variant is present in population databases (rs199921196, gnomAD 0.04%), and has an allele count higher than expected for a pathogenic variant. This variant has not been reported in the literature in individuals affected with KCTD17-related conditions. ClinVar contains an entry for this variant (Variation ID: 571150). An algorithm developed to predict the effect of missense changes on protein structure and function outputs the following: PolyPhen-2: "Benign". The cysteine amino acid residue is found in multiple mammalian species, which suggests that this missense change does not adversely affect protein function. In summary, the available evidence is currently insufficient to determine the role of this variant in disease. Therefore, it has been classified as a Variant of Uncertain Significance.

Department of Pathology and Laboratory Medicine, Sinai Health System
Classification: Uncertain significance for Myoclonic dystonia 26. Last evaluated: 2022-11-11. Review status: criteria provided, single submitter. Criteria: ACMG Guidelines, 2015. Collection method: research. Allele origin: germline.

Fulgent Genetics
Classification: Uncertain significance for Myoclonic dystonia 26. Last evaluated: 2018-10-31. Review status: criteria provided, single submitter. Criteria: ACMG Guidelines, 2015. Collection method: clinical testing. Allele origin: unknown.

NM_001282684.2(KCTD17):c.853C>T (p.Arg285Cys)

Gene: KCTD17 (potassium channel tetramerization domain containing 17; plus strand). Cytogenetic location: 22q12.3.
Variant type: single nucleotide variant.
Coding change: c.853C>T on transcript NM_001282684.2 (MANE Select); coding-DNA position 853, C replaced by T.
Protein change: p.Arg285Cys; replaces arginine 285 with cysteine.
Molecular consequence: missense variant. On other transcripts: 3 prime UTR variant (1), intron variant (1).
Genome position (GRCh38, 1-based): chr22:37,061,607, C>T. VCF-style: chr22-37061607-C-T. GRCh37 (hg19) VCF-style: chr22-37457647-C-T.
Other names: c.802C>T (NM_024681.2); c.*24C>T (NM_001282685.2); c.781C>T, p.Arg261Cys (NM_024681.4); c.613-918C>T (NM_001282686.2); short protein forms R292C, R261C, R285C.
Identifiers: ClinVar variation 571150 (VCV000571150.26), dbSNP rs199921196, ClinGen allele CA10215165.